The following is an entry in ClinVar:

ClinVar aggregate classification (germline): Uncertain significance. Review status: criteria provided, multiple submitters, no conflicts (2 of 4 stars). 2 submissions from 2 submitters: Uncertain significance (2). Last evaluated 2023-05-08.

Conditions:
Developmental and epileptic encephalopathy, 12 (DEE12). Identifiers: MedGen C3150988, MONDO:0013389, OMIM 613722.

Allele frequency attached by ClinVar (database versions not stated): gnomAD exomes below 0.00001; gnomAD 0.00001; TOPMed 0.00001.
gnomAD v4.1: 7 of 1,605,780 alleles (0.00044%); highest among the groups gnomAD compares: Admixed American, 0.0017%; no homozygotes.

Submissions (2):

Labcorp Genetics (formerly Invitae), Labcorp
Classification: Uncertain significance for Developmental and epileptic encephalopathy, 12. Last evaluated: 2023-05-08. Review status: criteria provided, single submitter. Criteria: Invitae Variant Classification Sherloc (09022015). Collection method: clinical testing. Allele origin: germline.
Comment: ClinVar contains an entry for this variant (Variation ID: 538884). In summary, the available evidence is currently insufficient to determine the role of this variant in disease. Therefore, it has been classified as a Variant of Uncertain Significance. Advanced modeling of protein sequence and biophysical properties (such as structural, functional, and spatial information, amino acid conservation, physicochemical variation, residue mobility, and thermodynamic stability) performed at Invitae indicates that this missense variant is expected to disrupt PLCB1 protein function. This variant has not been reported in the literature in individuals affected with PLCB1-related conditions. This variant is present in population databases (no rsID available, gnomAD 0.0008%). This sequence change replaces valine, which is neutral and non-polar, with methionine, which is neutral and non-polar, at codon 571 of the PLCB1 protein (p.Val571Met).

Fulgent Genetics
Classification: Uncertain significance for Developmental and epileptic encephalopathy, 12. Last evaluated: 2018-10-31. Review status: criteria provided, single submitter. Criteria: ACMG Guidelines, 2015. Collection method: clinical testing. Allele origin: unknown.

NM_015192.4(PLCB1):c.1711G>A (p.Val571Met)

Gene: PLCB1 (phospholipase C beta 1; plus strand). Cytogenetic location: 20p12.3.
Variant type: single nucleotide variant.
Coding change: c.1711G>A on transcript NM_015192.4 (MANE Select); coding-DNA position 1711, G replaced by A.
Protein change: p.Val571Met; replaces valine 571 with methionine.
Molecular consequence: missense variant.
Genome position (GRCh38, 1-based): chr20:8,727,341, G>A. VCF-style: chr20-8727341-G-A. GRCh37 (hg19) VCF-style: chr20-8707988-G-A.
Other names: c.1711G>A, p.Val571Met (NM_182734.3); short protein forms V571M.
Identifiers: ClinVar variation 538884 (VCV000538884.7), dbSNP rs1394924865, ClinGen allele CA408204107.